The following is an entry in ClinVar:

NM_000341.4(SLC3A1):c.979_980del (p.Arg326_Asp327insTer)

Gene: SLC3A1 (solute carrier family 3 member 1; plus strand). Cytogenetic location: 2p21.
Variant type: Microsatellite.
Coding change: c.979_980del on transcript NM_000341.4 (MANE Select); coding-DNA positions 979 to 980, 2 bases deleted (GA; older notation c.979_980delGA).
Protein change: p.Arg326_Asp327insTer.
Molecular consequence: nonsense.
Genome position (GRCh38, 1-based): chr2:44,300,058-44,300,059, GA deleted; deleting any 2 consecutive bases within chr2:44,300,054-44,300,059 gives the same sequence; the c. name uses the placement nearest the transcript's 3' end. VCF-style (leftmost placement, unchanged base first): chr2-44300053-TGA-T. GRCh37 (hg19) VCF-style: chr2-44527192-TGA-T.
Other names: c.979_980delGA (NM_000341.4).
Identifiers: ClinVar variation 4526823 (VCV004526823.1).

ClinVar aggregate classification (germline): Pathogenic (1 of 4 stars; one submission).

Conditions:
Cystinuria (CSNU). Also called: CYSTINURIA, TYPE I; CYSTINURIA, TYPE II; CYSTINURIA, TYPE III; Cystinuria, non-type I. Identifiers: Orphanet 214, MedGen C0010691, MONDO:0009067, OMIM 220100, HP:0003131.

Submission:

Rare Kidney Stone Consortium and the Mayo Clinic Hyperoxaluria Center, Mayo Clinic
Classification: Pathogenic for Cystinuria. Last evaluated: 2025-10-03. Review status: criteria provided, single submitter. Criteria: ACMG Guidelines, 2015. Collection method: research. Allele origin: germline. Affected: yes. Observed: 1 variant allele.
Comment: ACMG:PVS1, PM2, PP4, PM1

Literature cited by the submitters: PubMed 8731106; PubMed 40794449.